The following is an entry in ClinVar:

ClinVar aggregate classification (germline): Benign (0 of 4 stars; one submission).

Conditions:
SDK2-related disorder. Also called: SDK2-related condition.

Allele frequency attached by ClinVar (database versions not stated): ESP Exome Variant Server 0.00008; TOPMed 0.00009; gnomAD 0.00038; gnomAD exomes 0.00072; ExAC 0.00190; 1000 Genomes Project 30x 0.00328; 1000 Genomes Project 0.00339.
gnomAD v4.1: 1,126 of 1,612,884 alleles (0.07%); highest among the groups gnomAD compares: South Asian, 1%; 28 homozygotes.

Submission:

PreventionGenetics, part of Exact Sciences
Classification: Benign for SDK2-related condition. Last evaluated: 2019-07-19. Review status: no assertion criteria provided. Collection method: clinical testing. Allele origin: germline.
Comment: This variant is classified as benign based on ACMG/AMP sequence variant interpretation guidelines (Richards et al. 2015 PMID: 25741868, with internal and published modifications).

NM_001144952.2(SDK2):c.4071C>A (p.Ala1357=)

Gene: SDK2 (sidekick cell adhesion molecule 2; minus strand). Cytogenetic location: 17q25.1.
Variant type: single nucleotide variant.
Coding change: c.4071C>A on transcript NM_001144952.2 (MANE Select); coding-DNA position 4071, C replaced by A.
Protein change: p.Ala1357=; no amino-acid change (alanine 1357 retained).
Molecular consequence: synonymous variant.
Genome position (GRCh38, 1-based): chr17:73,390,408, G>T on the plus strand (C>A on the coding strand, the complement: SDK2 is on the minus strand). VCF-style: chr17-73390408-G-T. GRCh37 (hg19) VCF-style: chr17-71386547-G-T.
Identifiers: ClinVar variation 3050750 (VCV003050750.2), dbSNP rs371257799, ClinGen allele CA8742918.